The following is an entry in ClinVar:

NM_001035.3(RYR2):c.9962C>T (p.Pro3321Leu)

Gene: RYR2 (ryanodine receptor 2; plus strand). Cytogenetic location: 1q43.
Variant type: single nucleotide variant.
Coding change: c.9962C>T on transcript NM_001035.3 (MANE Select); coding-DNA position 9962, C replaced by T.
Protein change: p.Pro3321Leu; replaces proline 3321 with leucine.
Molecular consequence: missense variant.
Genome position (GRCh38, 1-based): chr1:237,708,918, C>T. VCF-style: chr1-237708918-C-T. GRCh37 (hg19) VCF-style: chr1-237872218-C-T.
Other names: short protein forms P3321L.
Identifiers: ClinVar variation 229229 (VCV000229229.15), dbSNP rs747933306, ClinGen allele CA087987.
Genomic context (GRCh38, chr1:237,708,918, plus strand): 5'-TGTTTTCCCAGCCTATAATAAATAAAGTGAAACCTCAGCTCTTGAAAACTCATTTCTTGC[C>T]GTTAATGGAGAAACTCAAGAAAAAGGCAGCTACGGTGGTGTCTGAGGAAGACCACCTGAA-3'
Protein context (NP_001026.2, residues 3311-3331): KPQLLKTHFL[Pro3321Leu]LMEKLKKKAA

ClinVar aggregate classification (germline): Uncertain significance. Review status: criteria provided, multiple submitters, no conflicts (2 of 4 stars). 5 submissions from 5 submitters: Uncertain significance (5). Last evaluated 2025-11-25.

Conditions:
Cardiovascular phenotype. Identifiers: MedGen CN230736.
Catecholaminergic polymorphic ventricular tachycardia (CVPT). Also called: Catecholamine-induced polymorphic ventricular tachycardia. Identifiers: Orphanet 3286, MedGen C5574922, MONDO:0017990.
Cardiomyopathy (CMYO). Also called: Cardiomyopathies. Identifiers: Orphanet 167848, MedGen C0878544, MONDO:0004994, HP:0001638. Inheritance: Various modes of inheritance.
Catecholaminergic polymorphic ventricular tachycardia 1. Also called: VENTRICULAR TACHYCARDIA, STRESS-INDUCED POLYMORPHIC 1; RYR2-Related Catecholaminergic Polymorphic Ventricular Tachycardia; VENTRICULAR TACHYCARDIA, CATECHOLAMINERGIC POLYMORPHIC, 1, WITH OR WITHOUT ATRIAL DYSFUNCTION AND/OR DILATED CARDIOMYOPATHY. Identifiers: Orphanet 3286, MedGen C1631597, MONDO:0011484, OMIM 604772.

Allele frequency attached by ClinVar (database versions not stated): TOPMed below 0.00001; ExAC 0.00001; gnomAD 0.00001; gnomAD exomes 0.00001.
gnomAD v4.1: 17 of 1,611,592 alleles (0.0011%); highest among the groups gnomAD compares: Admixed American, 0.0017%; no homozygotes.

Submissions (5):

Labcorp Genetics (formerly Invitae), Labcorp
Classification: Uncertain significance for Catecholaminergic polymorphic ventricular tachycardia 1. Last evaluated: 2025-11-25. Review status: criteria provided, single submitter. Criteria: Invitae Variant Classification Sherloc (09022015). Collection method: clinical testing. Allele origin: germline.
Comment: This sequence change replaces proline, which is neutral and non-polar, with leucine, which is neutral and non-polar, at codon 3321 of the RYR2 protein (p.Pro3321Leu). This variant is present in population databases (rs747933306, gnomAD 0.003%). This variant has not been reported in the literature in individuals affected with RYR2-related conditions. ClinVar contains an entry for this variant (Variation ID: 229229). Invitae Evidence Modeling of protein sequence and biophysical properties (such as structural, functional, and spatial information, amino acid conservation, physicochemical variation, residue mobility, and thermodynamic stability) indicates that this missense variant is expected to disrupt RYR2 protein function with a positive predictive value of 95%. In summary, the available evidence is currently insufficient to determine the role of this variant in disease. Therefore, it has been classified as a Variant of Uncertain Significance.

Color Diagnostics, LLC DBA Color Health
Classification: Uncertain significance for Cardiomyopathy. Last evaluated: 2025-03-24. Review status: criteria provided, single submitter. Criteria: ACMG Guidelines, 2015. Collection method: clinical testing. Allele origin: germline.
Comment: This variant is located in the RYR2 protein. Computational prediction is inconclusive regarding the impact of this variant on protein structure and function (internally defined REVEL score threshold 0.5 < inconclusive < 0.7, PMID: 27666373). To our knowledge, functional studies have not been reported for this variant. This variant has not been reported in individuals affected with RYR2-related disorders in the literature. This variant has been identified in 3/246898 chromosomes in the general population by the Genome Aggregation Database (gnomAD). The available evidence is insufficient to determine the role of this variant in disease conclusively. Therefore, this variant is classified as a Variant of Uncertain Significance.

Ambry Genetics
Classification: Uncertain significance for Cardiovascular phenotype. Last evaluated: 2024-08-15. Review status: criteria provided, single submitter. Criteria: Ambry Variant Classification Scheme 2023. Collection method: clinical testing. Allele origin: germline.
Comment: The p.P3321L variant (also known as c.9962C>T), located in coding exon 69 of the RYR2 gene, results from a C to T substitution at nucleotide position 9962. The proline at codon 3321 is replaced by leucine, an amino acid with similar properties. This amino acid position is highly conserved in available vertebrate species. In addition, this alteration is predicted to be tolerated by in silico analysis. Based on the available evidence, the clinical significance of this variant remains unclear.

All of Us Research Program, National Institutes of Health
Classification: Uncertain significance for Catecholaminergic polymorphic ventricular tachycardia. Last evaluated: 2023-11-02. Review status: criteria provided, single submitter. Criteria: ACMG Guidelines, 2015. Collection method: clinical testing. Allele origin: germline. Inheritance: Autosomal dominant inheritance. Observed: 5 variant alleles, 5 heterozygotes.
Comment: Variant of Uncertain Significance due to insufficient evidence: This missense variant is located in the cytoplasmic domain of the RYR2 protein. Computational prediction tools and conservation analyses suggest that this variant may have deleterious impact on the protein function. Computational splicing tools suggest that this variant may not impact RNA splicing. To our knowledge, functional assays have not been performed for this variant nor has this variant been reported in individuals affected with cardiovascular disorders in the literature. This variant has been identified in 3/243966 chromosomes in the general population by the Genome Aggregation Database (gnomAD). Available evidence is insufficient to determine the pathogenicity of this variant conclusively.

This study involves interpretation of variants in research participants for the purpose of population health screening. Participant phenotype was not available at the time of variant classification. Additional details can be found in publication PMID: 35346344, PMCID: PMC8962531

Laboratory for Molecular Medicine, Mass General Brigham Personalized Medicine
Classification: Uncertain significance. Last evaluated: 2015-03-11. Review status: criteria provided, single submitter. Criteria: LMM Criteria. Collection method: clinical testing. Allele origin: germline. Observed: 1 variant allele.
Comment: The p.Pro3321Leu variant in RYR2 has not been previously reported in individuals with cardiomyopathy, but has been identified in 1/14986 South Asian chromosomes by the Exome Aggregation Consortium (ExAC). Com putational prediction tools and conservation analysis suggest that this variant may impact the protein, though this information is not predictive enough to dete rmine pathogenicity. In summary, the clinical significance of the p.Pro3321Leu v ariant is uncertain.